The following is an entry in ClinVar:

NM_001271.4(CHD2):c.1541dup (p.Thr516fs)

Gene: CHD2 (chromodomain helicase DNA binding protein 2; plus strand). Cytogenetic location: 15q26.1.
Variant type: Duplication.
Coding change: c.1541dup on transcript NM_001271.4 (MANE Select); coding-DNA position 1541, one base duplicated (G; older notation c.1541dupG).
Protein change: p.Thr516fs; shifts the reading frame from threonine 516.
Molecular consequence: frameshift variant.
Genome position (GRCh38, 1-based): chr15:92,953,395, G duplicated; the last of 2 consecutive G bases (chr15:92,953,394-92,953,395); duplicating either gives the same sequence. VCF-style (leftmost placement, unchanged base first): chr15-92953393-A-AG. GRCh37 (hg19) VCF-style: chr15-93496623-A-AG.
Other names: short protein forms T516fs.
Identifiers: ClinVar variation 849422 (VCV000849422.8), dbSNP rs2053579191, ClinGen allele CA916083450.
Genomic context (GRCh38, chr15:92,953,393, plus strand): 5'-TTTATTTATTTTTTCTTTCTGCAGAAATAATAGTGTAATCCTTGCTGATGAAATGGGCCT[A>AG]GGAAAGACCATCCAGACCATATCATTCCTCTCCTACCTGTTCCACCAACACCAGCTGTAT-3'

ClinVar aggregate classification (germline): Pathogenic (1 of 4 stars; one submission).

Conditions:
Developmental and epileptic encephalopathy 94 (DEE94). Also called: CHD2-Related Neurodevelopmental Disorders; Epileptic encephalopathy, childhood-onset. Identifiers: Orphanet 1942, Orphanet 2382, MedGen C3809278, MONDO:0014150, OMIM 615369.

Submission:

Labcorp Genetics (formerly Invitae), Labcorp
Classification: Pathogenic for Developmental and epileptic encephalopathy 94. Last evaluated: 2025-09-02. Review status: criteria provided, single submitter. Criteria: Invitae Variant Classification Sherloc (09022015). Collection method: clinical testing. Allele origin: germline.
Comment: This sequence change creates a premature translational stop signal (p.Thr516Aspfs*38) in the CHD2 gene. It is expected to result in an absent or disrupted protein product. Loss-of-function variants in CHD2 are known to be pathogenic (PMID: 23708187, 24207121). This variant is not present in population databases (gnomAD no frequency). This premature translational stop signal has been observed in individual(s) with CHD2-related conditions (PMID: 31440721, 34926809). ClinVar contains an entry for this variant (Variation ID: 849422). Algorithms developed to predict the effect of sequence changes on RNA splicing suggest that this variant may disrupt the consensus splice site. For these reasons, this variant has been classified as Pathogenic.

Literature cited by the submitters: PubMed 23708187; PubMed 24207121; PubMed 31440721; PubMed 34926809.